The following is an entry in ClinVar:

ClinVar aggregate classification (germline): Conflicting classifications of pathogenicity. Review status: criteria provided, conflicting classifications (1 of 4 stars). 5 submissions from 5 submitters: Uncertain significance (1); Likely benign (3). 1 of the submissions does not count toward it. Last evaluated 2026-07-01.

Conditions:
RAB18-related disorder. Also called: RAB18-related condition.
Warburg micro syndrome 3 (WARBM3). Also called: MICRO SYNDROME 3. Identifiers: Orphanet 2510, MedGen C3280203, MONDO:0013638, OMIM 614222.

Allele frequency attached by ClinVar (database versions not stated): gnomAD 0.00006; ESP Exome Variant Server 0.00008; TOPMed 0.00008; gnomAD exomes 0.00009; ExAC 0.00017.
gnomAD v4.1: 126 of 1,573,766 alleles (0.008%); highest among the groups gnomAD compares: Non-Finnish European, 0.0094%; no homozygotes.

Submissions (5):

CeGaT Center for Human Genetics Tuebingen
Classification: Likely benign. Last evaluated: 2026-07-01. Review status: criteria provided, single submitter. Criteria: CeGaT Center For Human Genetics Tuebingen Variant Classification Criteria Version 2. Collection method: clinical testing. Allele origin: germline. Affected: yes. Observed: 1 variant allele.
Comment: RAB18: BP4, BP7

Labcorp Genetics (formerly Invitae), Labcorp
Classification: Likely benign. Last evaluated: 2025-07-28. Review status: criteria provided, single submitter. Criteria: Invitae Variant Classification Sherloc (09022015). Collection method: clinical testing. Allele origin: germline.

Blueprint Genetics
Classification: Likely benign. Last evaluated: 2024-07-08. Review status: criteria provided, single submitter. Criteria: ACMG Guidelines, 2015. Collection method: clinical testing. Allele origin: germline.

Illumina Laboratory Services, Illumina
Classification: Uncertain significance for Warburg micro syndrome 3. Last evaluated: 2018-01-13. Review status: criteria provided, single submitter. Criteria: ICSL Variant Classification Criteria 13 December 2019. Collection method: clinical testing. Allele origin: germline.

PreventionGenetics, part of Exact Sciences
Classification: Likely benign for RAB18-related condition. Last evaluated: 2019-03-07. Review status: no assertion criteria provided. Collection method: clinical testing. Allele origin: germline. Not counted in ClinVar's aggregate classification.
Comment: This variant is classified as likely benign based on ACMG/AMP sequence variant interpretation guidelines (Richards et al. 2015 PMID: 25741868, with internal and published modifications).

NM_021252.5(RAB18):c.36C>A (p.Leu12=)

Genes: RAB18 (RAB18, member RAS oncogene family; plus strand), LOC130003565 (ATAC-STARR-seq lymphoblastoid active region 3188; plus strand). Cytogenetic location: 10p12.1.
Variant type: single nucleotide variant.
Coding change: c.36C>A on transcript NM_021252.5 (MANE Select); coding-DNA position 36, C replaced by A.
Protein change: p.Leu12=; no amino-acid change (leucine 12 retained).
Molecular consequence: synonymous variant. On other transcripts: non-coding transcript variant (1).
Genome position (GRCh38, 1-based): chr10:27,504,405, C>A. VCF-style: chr10-27504405-C-A. GRCh37 (hg19) VCF-style: chr10-27793334-C-A.
Other names: c.36C>A, p.Leu12= (NM_001256410.2, NM_001256411.2, NM_001256412.2); c.36C>A (NM_001256410.1).
Identifiers: ClinVar variation 299814 (VCV000299814.16), dbSNP rs61757825, ClinGen allele CA5452103.